The following is an entry in ClinVar:

NM_025132.4(WDR19):c.2472G>A (p.Met824Ile)

Gene: WDR19 (WD repeat domain 19; plus strand). Cytogenetic location: 4p14.
Variant type: single nucleotide variant.
Coding change: c.2472G>A on transcript NM_025132.4 (MANE Select); coding-DNA position 2472, G replaced by A.
Protein change: p.Met824Ile; replaces methionine 824 with isoleucine.
Molecular consequence: missense variant.
Genome position (GRCh38, 1-based): chr4:39,244,298, G>A. VCF-style: chr4-39244298-G-A. GRCh37 (hg19) VCF-style: chr4-39245918-G-A.
Other names: c.1992G>A, p.Met664Ile (NM_001317924.2); short protein forms M824I, M664I.
Identifiers: ClinVar variation 1360497 (VCV001360497.6), dbSNP rs1175997746, ClinGen allele CA356637346.

ClinVar aggregate classification (germline): Uncertain significance (1 of 4 stars; one submission).

Conditions:
Asphyxiating thoracic dystrophy 5 (SRTD5). Also called: SHORT-RIB THORACIC DYSPLASIA 5 WITH OR WITHOUT POLYDACTYLY; SHORT-RIB THORACIC DYSPLASIA 5 WITHOUT POLYDACTYLY. Identifiers: Orphanet 474, MedGen C3280598, MONDO:0013717, OMIM 614376.
Senior-Loken syndrome 8 (SLSN8). Identifiers: Orphanet 3156, MedGen C4225376, MONDO:0014579, OMIM 616307.

Allele frequency attached by ClinVar (database versions not stated): gnomAD exomes below 0.00001.
gnomAD v4.1: 4 of 1,613,920 alleles (0.00025%); highest among the groups gnomAD compares: African/African-American, 0.0053%; no homozygotes.

Submission:

Labcorp Genetics (formerly Invitae), Labcorp
Classification: Uncertain significance for Senior-Loken syndrome 8; Asphyxiating thoracic dystrophy 5. Last evaluated: 2022-06-27. Review status: criteria provided, single submitter. Criteria: Invitae Variant Classification Sherloc (09022015). Collection method: clinical testing. Allele origin: germline.
Comment: This sequence change replaces methionine, which is neutral and non-polar, with isoleucine, which is neutral and non-polar, at codon 824 of the WDR19 protein (p.Met824Ile). This variant is present in population databases (no rsID available, gnomAD 0.007%). This variant has not been reported in the literature in individuals affected with WDR19-related conditions. Algorithms developed to predict the effect of missense changes on protein structure and function (SIFT, PolyPhen-2, Align-GVGD) all suggest that this variant is likely to be tolerated. In summary, the available evidence is currently insufficient to determine the role of this variant in disease. Therefore, it has been classified as a Variant of Uncertain Significance.